The following is an entry in ClinVar:

ClinVar aggregate classification (germline): Uncertain significance (1 of 4 stars; one submission).

Submission:

Labcorp Genetics (formerly Invitae), Labcorp
Classification: Uncertain significance. Last evaluated: 2023-12-28. Review status: criteria provided, single submitter. Criteria: Invitae Variant Classification Sherloc (09022015). Collection method: clinical testing. Allele origin: germline.
Comment: This sequence change replaces serine, which is neutral and polar, with leucine, which is neutral and non-polar, at codon 243 of the ECHS1 protein (p.Ser243Leu). This variant is not present in population databases (gnomAD no frequency). This variant has not been reported in the literature in individuals affected with ECHS1-related conditions. Advanced modeling of protein sequence and biophysical properties (such as structural, functional, and spatial information, amino acid conservation, physicochemical variation, residue mobility, and thermodynamic stability) performed at Invitae indicates that this missense variant is not expected to disrupt ECHS1 protein function with a negative predictive value of 80%. In summary, the available evidence is currently insufficient to determine the role of this variant in disease. Therefore, it has been classified as a Variant of Uncertain Significance.

NM_004092.4(ECHS1):c.728C>T (p.Ser243Leu)

Gene: ECHS1 (enoyl-CoA hydratase, short chain 1; minus strand). Cytogenetic location: 10q26.3.
Variant type: single nucleotide variant.
Coding change: c.728C>T on transcript NM_004092.4 (MANE Select); coding-DNA position 728, C replaced by T.
Protein change: p.Ser243Leu; replaces serine 243 with leucine.
Molecular consequence: missense variant.
Genome position (GRCh38, 1-based): chr10:133,365,987, G>A on the plus strand (C>T on the coding strand, the complement: ECHS1 is on the minus strand). VCF-style: chr10-133365987-G-A. GRCh37 (hg19) VCF-style: chr10-135179491-G-A.
Other names: short protein forms S243L.
Identifiers: ClinVar variation 2828243 (VCV002828243.3), dbSNP rs2493837339, ClinGen allele CA378818388.